The following is an entry in ClinVar:

ClinVar aggregate classification (germline): Conflicting classifications of pathogenicity. Review status: criteria provided, conflicting classifications (1 of 4 stars). 3 submissions from 3 submitters: Uncertain significance (2); Likely benign (1). Last evaluated 2025-05-27.

Conditions:
Hereditary cancer-predisposing syndrome. Also called: Hereditary Cancer Syndrome; Neoplastic Syndromes, Hereditary; Hereditary neoplastic syndrome; Tumor predisposition. Identifiers: Orphanet 140162, MedGen C0027672, MeSH D009386, MONDO:0015356.
Ataxia-telangiectasia syndrome (AT). Also called: Cerebello-oculocutaneous telangiectasia; Immunodeficiency with ataxia telangiectasia; Ataxia-telangiectasia, complementation group E; Ataxia-telangiectasia, complementation group D; AT, COMPLEMENTATION GROUP C; ATAXIA-TELANGIECTASIA, COMPLEMENTATION GROUP A. Identifiers: Orphanet 100, MedGen C0004135, MONDO:0008840, OMIM 208900.

Allele frequency attached by ClinVar (database versions not stated): gnomAD exomes below 0.00001; TOPMed below 0.00001.
gnomAD v4.1: 1 of 1,613,738 alleles (0.000062%); highest among the groups gnomAD compares: African/African-American, 0.0013%; no homozygotes.

Submissions (3):

Labcorp Genetics (formerly Invitae), Labcorp
Classification: Uncertain significance for Ataxia-telangiectasia syndrome. Last evaluated: 2025-05-27. Review status: criteria provided, single submitter. Criteria: Invitae Variant Classification Sherloc (09022015). Collection method: clinical testing. Allele origin: germline.
Comment: This sequence change replaces methionine, which is neutral and non-polar, with valine, which is neutral and non-polar, at codon 949 of the ATM protein (p.Met949Val). This variant is present in population databases (no rsID available, gnomAD 0.007%). This variant has not been reported in the literature in individuals affected with ATM-related conditions. ClinVar contains an entry for this variant (Variation ID: 821884). Invitae Evidence Modeling of protein sequence and biophysical properties (such as structural, functional, and spatial information, amino acid conservation, physicochemical variation, residue mobility, and thermodynamic stability) indicates that this missense variant is not expected to disrupt ATM protein function with a negative predictive value of 95%. In summary, the available evidence is currently insufficient to determine the role of this variant in disease. Therefore, it has been classified as a Variant of Uncertain Significance.

Color Diagnostics, LLC DBA Color Health
Classification: Uncertain significance for Hereditary cancer-predisposing syndrome. Last evaluated: 2024-03-06. Review status: criteria provided, single submitter. Criteria: ACMG Guidelines, 2015. Collection method: clinical testing. Allele origin: germline.
Comment: This missense variant replaces methionine with valine at codon 949 of the ATM protein. Computational prediction suggests that this variant may not impact protein structure and function (internally defined REVEL score threshold <= 0.5, PMID: 27666373). To our knowledge, functional studies have not been reported for this variant. This variant has not been reported in individuals affected with hereditary cancer in the literature. This variant has been identified in 1/251360 chromosomes in the general population by the Genome Aggregation Database (gnomAD). The available evidence is insufficient to determine the role of this variant in disease conclusively. Therefore, this variant is classified as a Variant of Uncertain Significance.

Ambry Genetics
Classification: Likely benign for Hereditary cancer-predisposing syndrome. Last evaluated: 2018-10-01. Review status: criteria provided, single submitter. Criteria: Ambry Variant Classification Scheme 2023. Collection method: clinical testing. Allele origin: germline.

NM_000051.4(ATM):c.2845A>G (p.Met949Val)

Gene: ATM (ATM serine/threonine kinase; plus strand). Cytogenetic location: 11q22.3.
Variant type: single nucleotide variant.
Coding change: c.2845A>G on transcript NM_000051.4 (MANE Select); coding-DNA position 2845, A replaced by G.
Protein change: p.Met949Val; replaces methionine 949 with valine.
Molecular consequence: missense variant.
Genome position (GRCh38, 1-based): chr11:108,271,070, A>G. VCF-style: chr11-108271070-A-G. GRCh37 (hg19) VCF-style: chr11-108141797-A-G.
Other names: c.2845A>G, p.Met949Val (NM_001351834.2); short protein forms M949V.
Identifiers: ClinVar variation 821884 (VCV000821884.10), dbSNP rs1348704826, ClinGen allele CA382546697.